The following is an entry in ClinVar:

ClinVar aggregate classification (germline): Conflicting classifications of pathogenicity. Review status: criteria provided, conflicting classifications (1 of 4 stars). 3 submissions from 3 submitters: Uncertain significance (2); Likely benign (1). Last evaluated 2025-06-03.

Conditions:
ENPP1-related disorder. Also called: ENPP1-related condition; ENPP1-related disorders.
Arterial calcification, generalized, of infancy, 1 (GACI1). Also called: Idiopathic Infantile Arterial Calcification. Identifiers: Orphanet 51608, MedGen C4551985, MONDO:0008817, OMIM 208000.
Hypophosphatemic rickets, autosomal recessive, 2 (ARHR2). Identifiers: Orphanet 289176, MedGen C2750078, MONDO:0013219, OMIM 613312.
Hypopigmentation-punctate palmoplantar keratoderma syndrome. Also called: GUTTATE HYPOPIGMENTATION AND PUNCTATE PALMOPLANTAR KERATODERMA WITH OR WITHOUT ECTOPIC CALCIFICATION; Cole disease. Identifiers: Orphanet 324561, MedGen C3809781, MONDO:0014227, OMIM 615522.
Inherited obesity. Also called: Monogenic Obesity. Identifiers: Orphanet 77828, MedGen C4054476, MONDO:0019182, OMIM 601665.
Type 2 diabetes mellitus. Also called: Type II diabetes mellitus. Identifiers: MedGen C0011860, MeSH D003924, MONDO:0005148, OMIM 125853, HP:0005978.

Allele frequency attached by ClinVar (database versions not stated): TOPMed below 0.00001; gnomAD exomes 0.00001.
gnomAD v4.1: 12 of 1,580,912 alleles (0.00076%); highest among the groups gnomAD compares: South Asian, 0.0011%; no homozygotes.

Submissions (3):

PreventionGenetics, part of Exact Sciences
Classification: Likely benign for ENPP1-related condition. Last evaluated: 2025-06-03. Review status: criteria provided, single submitter. Criteria: ACMG Guidelines, 2015. Collection method: clinical testing. Allele origin: germline.
Comment: This variant is classified as likely benign based on ACMG/AMP sequence variant interpretation guidelines (Richards et al. 2015 PMID: 25741868, with internal and published modifications).

Fulgent Genetics
Classification: Uncertain significance for Type 2 diabetes mellitus; Arterial calcification, generalized, of infancy, 1; Inherited obesity; Hypophosphatemic rickets, autosomal recessive, 2; Hypopigmentation-punctate palmoplantar keratoderma syndrome. Last evaluated: 2024-06-13. Review status: criteria provided, single submitter. Criteria: ACMG Guidelines, 2015. Collection method: clinical testing. Allele origin: germline.

Labcorp Genetics (formerly Invitae), Labcorp
Classification: Uncertain significance. Last evaluated: 2022-03-18. Review status: criteria provided, single submitter. Criteria: Invitae Variant Classification Sherloc (09022015). Collection method: clinical testing. Allele origin: germline.
Comment: This sequence change falls in intron 3 of the ENPP1 gene. It does not directly change the encoded amino acid sequence of the ENPP1 protein. It affects a nucleotide within the consensus splice site. This variant is present in population databases (no rsID available, gnomAD 0.002%). This variant has not been reported in the literature in individuals affected with ENPP1-related conditions. Variants that disrupt the consensus splice site are a relatively common cause of aberrant splicing (PMID: 17576681, 9536098). Algorithms developed to predict the effect of sequence changes on RNA splicing suggest that this variant may create or strengthen a splice site. In summary, the available evidence is currently insufficient to determine the role of this variant in disease. Therefore, it has been classified as a Variant of Uncertain Significance.

Literature cited by the submitters: PubMed 17576681 (cited by Labcorp Genetics (formerly Invitae), Labcorp); PubMed 9536098 (cited by Labcorp Genetics (formerly Invitae), Labcorp).

NM_006208.3(ENPP1):c.430+3A>G

Gene: ENPP1 (ectonucleotide pyrophosphatase/phosphodiesterase 1; plus strand). Cytogenetic location: 6q23.2.
Variant type: single nucleotide variant.
Coding change: c.430+3A>G on transcript NM_006208.3 (MANE Select); 3 bases into the intron after coding-DNA position 430, A replaced by G.
Molecular consequence: intron variant.
Genome position (GRCh38, 1-based): chr6:131,850,109, A>G. VCF-style: chr6-131850109-A-G. GRCh37 (hg19) VCF-style: chr6-132171249-A-G.
Other names: c.430+3A>G (NM_006208.2).
Identifiers: ClinVar variation 1938223 (VCV001938223.7), dbSNP rs1228035722, ClinGen allele CA570097136.